The following is an entry in ClinVar:

NM_001042492.3(NF1):c.7615+1_7615+5dup

Gene: NF1 (neurofibromin 1; plus strand). Cytogenetic location: 17q11.2.
Variant type: Duplication.
Coding change: c.7615+1_7615+5dup on transcript NM_001042492.3 (MANE Select); the canonical splice donor site of the intron after coding-DNA position 7615 through 5 bases into the intron after coding-DNA position 7615, 5 bases duplicated (GTTAG; older notation c.7615+1_7615+5dupGTTAG).
Molecular consequence: splice donor variant.
Genome position (GRCh38, 1-based): chr17:31,352,415-31,352,419, GTTAG duplicated; duplicating any 5 consecutive bases within chr17:31,352,414-31,352,419 gives the same sequence; the c. name uses the placement nearest the transcript's 3' end. VCF-style (leftmost placement, unchanged base first): chr17-31352413-T-TGGTTA. GRCh37 (hg19) VCF-style: chr17-29679431-T-TGGTTA.
Other names: c.7552+1_7552+5dup (NM_000267.4).
Identifiers: ClinVar variation 2132267 (VCV002132267.4), dbSNP rs2508812434, ClinGen allele CA2580093426.

ClinVar aggregate classification (germline): Uncertain significance (1 of 4 stars; one submission).

Conditions:
Neurofibromatosis, type 1 (NF1). Also called: Peripheral type neurofibromatosis; NEUROFIBROMATOSIS, TYPE I, SOMATIC; Neurofibromatosis, type I; VON RECKLINGHAUSEN DISEASE. Identifiers: Orphanet 636, MedGen C0027831, MONDO:0018975, OMIM 162200. Disease mechanism: loss of function.

Submission:

Labcorp Genetics (formerly Invitae), Labcorp
Classification: Uncertain significance for Neurofibromatosis, type 1. Last evaluated: 2022-04-30. Review status: criteria provided, single submitter. Criteria: Invitae Variant Classification Sherloc (09022015). Collection method: clinical testing. Allele origin: germline.
Comment: Variants that disrupt the consensus splice site are a relatively common cause of aberrant splicing (PMID: 17576681, 9536098). Algorithms developed to predict the effect of sequence changes on RNA splicing suggest that this variant may create or strengthen a splice site. This variant has not been reported in the literature in individuals affected with NF1-related conditions. This variant is not present in population databases (gnomAD no frequency). This sequence change falls in intron 50 of the NF1 gene. It does not directly change the encoded amino acid sequence of the NF1 protein. It affects a nucleotide within the consensus splice site. In summary, the available evidence is currently insufficient to determine the role of this variant in disease. Therefore, it has been classified as a Variant of Uncertain Significance.

Literature cited by the submitters: PubMed 17576681; PubMed 9536098.